The following is an entry in ClinVar:

NM_001278116.2(L1CAM):c.2920G>T (p.Glu974Ter)

Gene: L1CAM (L1 cell adhesion molecule; minus strand). Cytogenetic location: Xq28.
Variant type: single nucleotide variant.
Coding change: c.2920G>T on transcript NM_001278116.2 (MANE Select); coding-DNA position 2920, G replaced by T.
Protein change: p.Glu974Ter; replaces glutamic acid 974 with a stop codon.
Molecular consequence: nonsense.
Genome position (GRCh38, 1-based): chrX:153,864,947, C>A on the plus strand (G>T on the coding strand, the complement: L1CAM is on the minus strand). VCF-style: chrX-153864947-C-A. GRCh37 (hg19) VCF-style: chrX-153130402-C-A.
Other names: p.Glu974*; c.2920G>T, p.Glu974Ter (NM_000425.5, NM_024003.3); c.2905G>T, p.Glu969Ter (NM_001143963.2); short protein forms E969*, E974*.
Identifiers: ClinVar variation 1339568 (VCV001339568.5), dbSNP rs782712766, ClinGen allele CA415114248.

ClinVar aggregate classification (germline): Pathogenic. Review status: criteria provided, single submitter (1 of 4 stars). 2 submissions from 2 submitters: Pathogenic (1). 1 of the submissions does not count toward it. Last evaluated 2026-04-09.

Conditions:
X-linked hydrocephalus syndrome (HYCX). Also called: X-linked hydrocephalus; X-Linked Hydrocephalus with Stenosis of the Aqueduct of Sylvius (HSAS); HYDROCEPHALUS, CONGENITAL, X-LINKED; AQUEDUCTAL STENOSIS, X-LINKED; X-Linked Hydrocephalus with Stenosis of the Aqueduct of Sylvius. Identifiers: Orphanet 2182, MedGen C0265216, MONDO:0010611, OMIM 307000.
X-linked complicated corpus callosum dysgenesis. Also called: X-Linked Complicated Corpus Callosum Agenesis. Identifiers: Orphanet 1497, MedGen C1839909, MONDO:0010569, OMIM 304100.

Submissions (2):

Department of Molecular Genetics, Istishari Arab Hospital
Classification: Pathogenic for X-linked hydrocephalus syndrome. Last evaluated: 2026-04-09. Review status: criteria provided, single submitter. Criteria: ACMG Guidelines, 2015. Collection method: clinical testing. Allele origin: germline. Inheritance: X-linked recessive inheritance. Affected: yes.
Comment: The L1CAM variant c.2920G>T, p.Glu974*creates a premature stop codon at position 974 in exon 23 (out of 29 exons). The variant is not observed in the gnomAD v4.1.0 dataset. This variant has been previously reported in patients with congenital Hydrocephalus (PMID: 15368500). It is classified as pathogenic according to the recommendations of ACMG/AMP/ClinGen SVI guidelines.

Center for Molecular Medicine, Children’s Hospital of Fudan University
Classification: Pathogenic for X-linked complicated corpus callosum dysgenesis. Last evaluated: 2022-02-08. Review status: no assertion criteria provided. Collection method: clinical testing. Allele origin: unknown. Affected: yes. Not counted in ClinVar's aggregate classification.

Literature cited by the submitters: PubMed 15368500 (cited by Department of Molecular Genetics, Istishari Arab Hospital and Center for Molecular Medicine, Children’s Hospital of Fudan University).